The following is an entry in ClinVar:

NM_001184880.2(PCDH19):c.593G>A (p.Arg198His)

Gene: PCDH19 (protocadherin 19; minus strand). Cytogenetic location: Xq22.1.
Variant type: single nucleotide variant.
Coding change: c.593G>A on transcript NM_001184880.2 (MANE Select); coding-DNA position 593, G replaced by A.
Protein change: p.Arg198His; replaces arginine 198 with histidine.
Molecular consequence: missense variant.
Genome position (GRCh38, 1-based): chrX:100,408,005, C>T on the plus strand (G>A on the coding strand, the complement: PCDH19 is on the minus strand). VCF-style: chrX-100408005-C-T. GRCh37 (hg19) VCF-style: chrX-99663003-C-T.
Other names: c.593G>A, p.Arg198His (NM_001105243.2, NM_020766.3); short protein forms R198H.
Identifiers: ClinVar variation 1415565 (VCV001415565.6), dbSNP rs772837341, ClinGen allele CA10468973.

ClinVar aggregate classification (germline): Uncertain significance (1 of 4 stars; one submission).

Conditions:
Developmental and epileptic encephalopathy, 9 (DEE9). Also called: Early infantile epileptic encephalopathy 9; JUBERG-HELLMAN SYNDROME; EPILEPSY, FEMALE-RESTRICTED, WITH MENTAL RETARDATION; PCDH19-Related X-Linked Female-Limited Epilepsy with Mental Retardation. Identifiers: Orphanet 101039, Orphanet 2076, MedGen C1848137, MONDO:0010246, OMIM 300088. Disease mechanism: loss of function.

Allele frequency attached by ClinVar (database versions not stated): ExAC 0.00001; gnomAD exomes 0.00001 and 0.00002.
gnomAD v4.1: 15 of 1,207,967 alleles (0.0012%); highest among the groups gnomAD compares: Non-Finnish European, 0.0017%; no homozygotes.

Submission:

Labcorp Genetics (formerly Invitae), Labcorp
Classification: Uncertain significance for Developmental and epileptic encephalopathy, 9. Last evaluated: 2026-01-03. Review status: criteria provided, single submitter. Criteria: Invitae Variant Classification Sherloc (09022015). Collection method: clinical testing. Allele origin: germline.
Comment: This sequence change replaces arginine, which is basic and polar, with histidine, which is basic and polar, at codon 198 of the PCDH19 protein (p.Arg198His). This variant is present in population databases (rs772837341, gnomAD 0.004%). This variant has not been reported in the literature in individuals affected with PCDH19-related conditions. ClinVar contains an entry for this variant (Variation ID: 1415565). Invitae Evidence Modeling of protein sequence and biophysical properties (such as structural, functional, and spatial information, amino acid conservation, physicochemical variation, residue mobility, and thermodynamic stability) has been performed for this missense variant. However, the output from this modeling did not meet the statistical confidence thresholds required to predict the impact of this variant on PCDH19 protein function. Experimental studies have shown that this missense change affects PCDH19 function (PMID: 34082468). This variant disrupts the p.Arg198 amino acid residue in PCDH19. Other variant(s) that disrupt this residue have been determined to be pathogenic (PMID: 23712037, 29377098). This suggests that this residue is clinically significant, and that variants that disrupt this residue are likely to be disease-causing. In summary, the available evidence is currently insufficient to determine the role of this variant in disease. Therefore, it has been classified as a Variant of Uncertain Significance.

Literature cited by the submitters: PubMed 34082468; PubMed 23712037; PubMed 29377098.